The following is an entry in ClinVar:

NM_000393.5(COL5A2):c.1618-17G>A

Gene: COL5A2 (collagen type V alpha 2 chain; minus strand). Cytogenetic location: 2q32.2.
Variant type: single nucleotide variant.
Coding change: c.1618-17G>A on transcript NM_000393.5 (MANE Select); 17 bases into the intron before coding-DNA position 1618, G replaced by A.
Molecular consequence: intron variant.
Genome position (GRCh38, 1-based): chr2:189,064,672, C>T on the plus strand (G>A on the coding strand, the complement: COL5A2 is on the minus strand). VCF-style: chr2-189064672-C-T. GRCh37 (hg19) VCF-style: chr2-189929398-C-T.
Identifiers: ClinVar variation 513042 (VCV000513042.11), dbSNP rs1272843185, ClinGen allele CA538442928.

ClinVar aggregate classification (germline): Likely benign. Review status: criteria provided, multiple submitters, no conflicts (2 of 4 stars). 3 submissions from 3 submitters: Likely benign (3). Last evaluated 2025-04-18.

Conditions:
Ehlers-Danlos syndrome, classic type, 1 (EDSCL1). Also called: Ehlers-Danlos Syndrome, Classic Type, COL5A1-Related; EDS I; Ehlers-Danlos syndrome, type 1; EHLERS-DANLOS SYNDROME, GRAVIS TYPE; EHLERS-DANLOS SYNDROME, SEVERE CLASSIC TYPE. Identifiers: MedGen C0268335, MONDO:0019567, OMIM 130000.

Allele frequency attached by ClinVar (database versions not stated): gnomAD exomes 0.00001.
gnomAD v4.1: 9 of 1,533,324 alleles (0.00059%); highest among the groups gnomAD compares: Non-Finnish European, 0.00081%; no homozygotes.

Submissions (3):

Labcorp Genetics (formerly Invitae), Labcorp
Classification: Likely benign for Ehlers-Danlos syndrome, classic type, 1. Last evaluated: 2025-04-18. Review status: criteria provided, single submitter. Criteria: Invitae Variant Classification Sherloc (09022015). Collection method: clinical testing. Allele origin: germline.

Women's Health and Genetics/Laboratory Corporation of America, LabCorp
Classification: Likely benign. Last evaluated: 2025-04-02. Review status: criteria provided, single submitter. Criteria: LabCorp Variant Classification Summary - May 2015. Collection method: clinical testing. Allele origin: germline.

GeneDx
Classification: Likely benign. Last evaluated: 2017-11-01. Review status: criteria provided, single submitter. Criteria: GeneDx Variant Classification (06012015). Collection method: clinical testing. Allele origin: germline. Affected: yes.
Comment: This variant is considered likely benign or benign based on one or more of the following criteria: it is a conservative change, it occurs at a poorly conserved position in the protein, it is predicted to be benign by multiple in silico algorithms, and/or has population frequency not consistent with disease.